The following is an entry in ClinVar:

NM_001367549.1(ATP13A3):c.3070G>A (p.Gly1024Ser)

Gene: ATP13A3 (ATPase 13A3; minus strand). Cytogenetic location: 3q29.
Variant type: single nucleotide variant.
Coding change: c.3070G>A on transcript NM_001367549.1 (MANE Select); coding-DNA position 3070, G replaced by A.
Protein change: p.Gly1024Ser; replaces glycine 1024 with serine.
Molecular consequence: missense variant. On other transcripts: non-coding transcript variant (2).
Genome position (GRCh38, 1-based): chr3:194,427,130, C>T on the plus strand (G>A on the coding strand, the complement: ATP13A3 is on the minus strand). VCF-style: chr3-194427130-C-T. GRCh37 (hg19) VCF-style: chr3-194147859-C-T.
Other names: c.2989G>A, p.Gly997Ser (NM_001374836.1); c.3070G>A, p.Gly1024Ser (NM_024524.4); c.3070G>A (NM_024524.3); short protein forms G1024S, G997S.
Identifiers: ClinVar variation 1623384 (VCV001623384.12), dbSNP rs199767870, ClinGen allele CA2761501.
Genomic context (GRCh38, chr3:194,427,130, plus strand): 5'-CTTACTCTGATTTTGGATGCCACACTTCATACCAAGGTTGCTGTTTGACCCAAAAAAAAC[C>T]CAAAGATTGAAATCCAATGCAGATGATAATCTGAGACAAAACGGAGAAGAGAAGGGCCCC-3'
Protein context (NP_001354478.1, residues 1014-1034): IIICIGFQSL[Gly1024Ser]FFWVKQQPWY

ClinVar aggregate classification (germline): Benign/Likely benign. Review status: criteria provided, multiple submitters, no conflicts (2 of 4 stars). 4 submissions from 4 submitters: Benign (2); Likely benign (1). 1 of the submissions does not count toward it. Last evaluated 2026-01-19.

Conditions:
ATP13A3-related disorder. Also called: ATP13A3-related condition.

Allele frequency attached by ClinVar (database versions not stated): 1000 Genomes Project 0.00120; 1000 Genomes Project 30x 0.00125; gnomAD 0.00420 and 0.00444; ESP Exome Variant Server 0.00441; gnomAD exomes 0.00472 and 0.00548; ExAC 0.00512.
gnomAD v4.1: 8,574 of 1,613,402 alleles (0.53%); highest among the groups gnomAD compares: Non-Finnish European, 0.6%; 33 homozygotes.

Submissions (4):

Labcorp Genetics (formerly Invitae), Labcorp
Classification: Benign. Last evaluated: 2026-01-19. Review status: criteria provided, single submitter. Criteria: Invitae Variant Classification Sherloc (09022015). Collection method: clinical testing. Allele origin: germline.

Blueprint Genetics
Classification: Likely benign. Last evaluated: 2024-11-22. Review status: criteria provided, single submitter. Criteria: ACMG Guidelines, 2015. Collection method: clinical testing. Allele origin: germline.

Breakthrough Genomics
Classification: Benign. Review status: criteria provided, single submitter. Criteria: ACMG Guidelines, 2015. Collection method: not provided. Allele origin: germline. Inheritance: Autosomal recessive inheritance. Affected: yes.

PreventionGenetics, part of Exact Sciences
Classification: Benign for ATP13A3-related condition. Last evaluated: 2019-03-29. Review status: no assertion criteria provided. Collection method: clinical testing. Allele origin: germline. Not counted in ClinVar's aggregate classification.
Comment: This variant is classified as benign based on ACMG/AMP sequence variant interpretation guidelines (Richards et al. 2015 PMID: 25741868, with internal and published modifications).